The following is an entry in ClinVar:

NM_001318852.2(MAPK8IP3):c.1828A>G (p.Ser610Gly)

Gene: MAPK8IP3 (mitogen-activated protein kinase 8 interacting protein 3; plus strand). Cytogenetic location: 16p13.3.
Variant type: single nucleotide variant.
Coding change: c.1828A>G on transcript NM_001318852.2 (MANE Select); coding-DNA position 1828, A replaced by G.
Protein change: p.Ser610Gly; replaces serine 610 with glycine.
Molecular consequence: missense variant.
Genome position (GRCh38, 1-based): chr16:1,762,936, A>G. VCF-style: chr16-1762936-A-G. GRCh37 (hg19) VCF-style: chr16-1812937-A-G.
Other names: c.1807A>G, p.Ser603Gly (NM_001040439.2); c.1825A>G, p.Ser609Gly (NM_015133.5); short protein forms S603G, S609G, S610G.
Identifiers: ClinVar variation 1683522 (VCV001683522.2), dbSNP rs2141932352, ClinGen allele CA394232861.

ClinVar aggregate classification (germline): Uncertain significance (1 of 4 stars; one submission).

Conditions:
Neurodevelopmental disorder with or without variable brain abnormalities; NEDBA. Also called: NEURODEVELOPMENTAL DISORDER WITH OR WITHOUT VARIABLE BRAIN ABNORMALITIES. Identifiers: MedGen C5193102, MONDO:0032755, OMIM 618443.

Submission:

Laboratorio de Genetica e Diagnostico Molecular, Hospital Israelita Albert Einstein
Classification: Uncertain significance for Neurodevelopmental disorder with or without variable brain abnormalities; NEDBA. Last evaluated: 2021-07-22. Review status: criteria provided, single submitter. Criteria: ACMG Guidelines, 2015. Collection method: clinical testing. Allele origin: germline. Affected: yes.
Comment: ACMG classification criteria: PM2 moderate, BP4 supporting